The following is an entry in ClinVar:

ClinVar aggregate classification (germline): Uncertain significance (1 of 4 stars; one submission).

Conditions:
Cardiovascular phenotype. Identifiers: MedGen CN230736.

Submission:

Ambry Genetics
Classification: Uncertain significance for Cardiovascular phenotype. Last evaluated: 2022-11-20. Review status: criteria provided, single submitter. Criteria: Ambry Variant Classification Scheme 2023. Collection method: clinical testing. Allele origin: germline.
Comment: The p.A204G variant (also known as c.611C>G), located in coding exon 5 of the GPD1L gene, results from a C to G substitution at nucleotide position 611. The alanine at codon 204 is replaced by glycine, an amino acid with similar properties. This amino acid position is conserved. In addition, the in silico prediction for this alteration is inconclusive. Since supporting evidence is limited at this time, the clinical significance of this alteration remains unclear.

NM_015141.4(GPD1L):c.611C>G (p.Ala204Gly)

Gene: GPD1L (glycerol-3-phosphate dehydrogenase 1 like; plus strand). Cytogenetic location: 3p22.3.
Variant type: single nucleotide variant.
Coding change: c.611C>G on transcript NM_015141.4 (MANE Select); coding-DNA position 611, C replaced by G.
Protein change: p.Ala204Gly; replaces alanine 204 with glycine.
Molecular consequence: missense variant.
Genome position (GRCh38, 1-based): chr3:32,146,727, C>G. VCF-style: chr3-32146727-C-G. GRCh37 (hg19) VCF-style: chr3-32188219-C-G.
Other names: short protein forms A204G.
Identifiers: ClinVar variation 2449699 (VCV002449699.2), dbSNP rs748172518, ClinGen allele CA351967715.